The following is an entry in ClinVar:

ClinVar aggregate classification (germline): Uncertain significance. Review status: criteria provided, single submitter (1 of 4 stars). 2 submissions from 2 submitters: Uncertain significance (1). 1 of the submissions does not count toward it. Last evaluated 2025-04-17.

Conditions:
Developmental and epileptic encephalopathy, 41 (DEE41). Also called: Epileptic encephalopathy, early infantile, 41. Identifiers: MedGen C4310717, MONDO:0014916, OMIM 617105.

gnomAD v4.1: 2 of 1,612,122 alleles (0.00012%); highest among the groups gnomAD compares: Non-Finnish European, 0.000085%; no homozygotes.

Submissions (2):

Labcorp Genetics (formerly Invitae), Labcorp
Classification: Uncertain significance. Last evaluated: 2025-04-17. Review status: criteria provided, single submitter. Criteria: Invitae Variant Classification Sherloc (09022015). Collection method: clinical testing. Allele origin: germline.
Comment: This sequence change replaces glycine, which is neutral and non-polar, with alanine, which is neutral and non-polar, at codon 360 of the SLC1A2 protein (p.Gly360Ala). This variant is not present in population databases (gnomAD no frequency). This variant has not been reported in the literature in individuals affected with SLC1A2-related conditions. ClinVar contains an entry for this variant (Variation ID: 1711859). Invitae Evidence Modeling of protein sequence and biophysical properties (such as structural, functional, and spatial information, amino acid conservation, physicochemical variation, residue mobility, and thermodynamic stability) indicates that this missense variant is not expected to disrupt SLC1A2 protein function with a negative predictive value of 80%. In summary, the available evidence is currently insufficient to determine the role of this variant in disease. Therefore, it has been classified as a Variant of Uncertain Significance.

Diagnostic Laboratory, Department of Genetics, University Medical Center Groningen
Classification: Uncertain significance for Developmental and epileptic encephalopathy, 41. Last evaluated: 2021-08-13. Review status: no assertion criteria provided. Collection method: clinical testing. Allele origin: inherited. Inheritance: Autosomal dominant inheritance. Affected: yes. Observed: 1 heterozygote. Not counted in ClinVar's aggregate classification.
Comment: Not reported, not seen in gnomAD population database, highly conserved and predicted pathogenic. Considered a suspect VUS.

NM_004171.4(SLC1A2):c.1079G>C (p.Gly360Ala)

Gene: SLC1A2 (solute carrier family 1 member 2; minus strand). Cytogenetic location: 11p13.
Variant type: single nucleotide variant.
Coding change: c.1079G>C on transcript NM_004171.4 (MANE Select); coding-DNA position 1079, G replaced by C.
Protein change: p.Gly360Ala; replaces glycine 360 with alanine.
Molecular consequence: missense variant.
Genome position (GRCh38, 1-based): chr11:35,292,299, C>G on the plus strand (G>C on the coding strand, the complement: SLC1A2 is on the minus strand). VCF-style: chr11-35292299-C-G. GRCh37 (hg19) VCF-style: chr11-35313846-C-G.
Other names: c.1052G>C, p.Gly351Ala (NM_001195728.3, NM_001252652.2); short protein forms G351A, G360A.
Identifiers: ClinVar variation 1711859 (VCV001711859.5), dbSNP rs2497772802, ClinGen allele CA380124488.